The following is an entry in ClinVar:

ClinVar aggregate classification (germline): Uncertain significance (1 of 4 stars; one submission).

Conditions:
Retinoblastoma (RB1). Also called: RETINOBLASTOMA, SOMATIC. Identifiers: Orphanet 790, MedGen C0035335, MeSH D012175, MONDO:0008380, OMIM 180200, HP:0009919. Disease mechanism: loss of function. Inheritance: Both sporadic and heritable forms are tested..

Submission:

Labcorp Genetics (formerly Invitae), Labcorp
Classification: Uncertain significance for Retinoblastoma. Last evaluated: 2024-12-06. Review status: criteria provided, single submitter. Criteria: Invitae Variant Classification Sherloc (09022015). Collection method: clinical testing. Allele origin: germline.
Comment: This sequence change replaces lysine, which is basic and polar, with arginine, which is basic and polar, at codon 289 of the RB1 protein (p.Lys289Arg). This variant is not present in population databases (gnomAD no frequency). This variant has not been reported in the literature in individuals affected with RB1-related conditions. Invitae Evidence Modeling of protein sequence and biophysical properties (such as structural, functional, and spatial information, amino acid conservation, physicochemical variation, residue mobility, and thermodynamic stability) indicates that this missense variant is not expected to disrupt RB1 protein function with a negative predictive value of 80%. Algorithms developed to predict the effect of sequence changes on RNA splicing suggest that this variant may disrupt the consensus splice site. In summary, the available evidence is currently insufficient to determine the role of this variant in disease. Therefore, it has been classified as a Variant of Uncertain Significance.

NM_000321.3(RB1):c.866A>G (p.Lys289Arg)

Gene: RB1 (RB transcriptional corepressor 1; plus strand). Cytogenetic location: 13q14.2.
Variant type: single nucleotide variant.
Coding change: c.866A>G on transcript NM_000321.3 (MANE Select); coding-DNA position 866, A replaced by G.
Protein change: p.Lys289Arg; replaces lysine 289 with arginine.
Molecular consequence: missense variant.
Genome position (GRCh38, 1-based): chr13:48,364,898, A>G. VCF-style: chr13-48364898-A-G. GRCh37 (hg19) VCF-style: chr13-48939034-A-G.
Other names: c.866A>G, p.Lys289Arg (NM_001407165.1, NM_001407166.1); short protein forms K289R.
Identifiers: ClinVar variation 3669902 (VCV003669902.2).